The following is an entry in ClinVar:

ClinVar aggregate classification (germline): Uncertain significance (1 of 4 stars; one submission).

Allele frequency attached by ClinVar (database versions not stated): gnomAD exomes below 0.00001.
gnomAD v4.1: 1 of 1,545,692 alleles (0.000065%); no homozygotes.

Submission:

Labcorp Genetics (formerly Invitae), Labcorp
Classification: Uncertain significance. Last evaluated: 2023-07-28. Review status: criteria provided, single submitter. Criteria: Invitae Variant Classification Sherloc (09022015). Collection method: clinical testing. Allele origin: germline.
Comment: This sequence change replaces alanine with valine at codon 35 of the KCNK4 protein (p.Ala35Val). The alanine residue is moderately conserved and there is a small physicochemical difference between alanine and valine. The frequency data for this variant in the population databases is considered unreliable, as metrics indicate poor data quality at this position in the gnomAD database. In summary, the available evidence is currently insufficient to determine the role of this variant in disease. Therefore, it has been classified as a Variant of Uncertain Significance. Algorithms developed to predict the effect of missense changes on protein structure and function output the following: SIFT: "Not Available"; PolyPhen-2: "Benign"; Align-GVGD: "Not Available". The valine amino acid residue is found in multiple mammalian species, which suggests that this missense change does not adversely affect protein function. ClinVar contains an entry for this variant (Variation ID: 1432584). This variant has not been reported in the literature in individuals affected with KCNK4-related conditions.

NM_033310.3(KCNK4):c.104C>T (p.Ala35Val)

Genes: KCNK4 (potassium two pore domain channel subfamily K member 4; plus strand), KCNK4-CATSPERZ (KCNK4-CATSPERZ readthrough (NMD candidate); plus strand). Cytogenetic location: 11q13.1.
Variant type: single nucleotide variant.
Coding change: c.104C>T on transcript NM_033310.3 (MANE Select); coding-DNA position 104, C replaced by T.
Protein change: p.Ala35Val; replaces alanine 35 with valine.
Molecular consequence: missense variant. On other transcripts: non-coding transcript variant (2).
Genome position (GRCh38, 1-based): chr11:64,293,122, C>T. VCF-style: chr11-64293122-C-T. GRCh37 (hg19) VCF-style: chr11-64060594-C-T.
Other names: c.104C>T, p.Ala35Val (NM_001317090.2); short protein forms A35V.
Identifiers: ClinVar variation 1432584 (VCV001432584.6), dbSNP rs1318097813, ClinGen allele CA381158363.